The following is an entry in ClinVar:

NM_006757.4(TNNT3):c.335A>T (p.Glu112Val)

Gene: TNNT3 (troponin T3, fast skeletal type; plus strand). Cytogenetic location: 11p15.5.
Variant type: single nucleotide variant.
Coding change: c.335A>T on transcript NM_006757.4 (MANE Select); coding-DNA position 335, A replaced by T.
Protein change: p.Glu112Val; replaces glutamic acid 112 with valine.
Molecular consequence: missense variant.
Genome position (GRCh38, 1-based): chr11:1,933,977, A>T. VCF-style: chr11-1933977-A-T. GRCh37 (hg19) VCF-style: chr11-1955207-A-T.
Other names: c.311A>T, p.Glu104Val (NM_001042780.3, NM_001042782.3, NM_001297646.2 and 2 more transcripts); c.329A>T, p.Glu110Val (NM_001042781.3, NM_001367842.1, NM_001367843.1); c.344A>T, p.Glu115Val (NM_001363561.2, NM_001367847.1); c.368A>T, p.Glu123Val (NM_001367846.1); c.332A>T, p.Glu111Val (NM_001367848.1); c.323A>T, p.Glu108Val (NM_001367849.1); c.278A>T, p.Glu93Val (NM_001367850.1); c.131A>T, p.Glu44Val (NM_001367851.1, NM_001367852.1); short protein forms E104V, E115V, E110V, E44V, E111V, E112V, E108V, E123V.
Identifiers: ClinVar variation 2283510 (VCV002283510.3), dbSNP rs1388665636, ClinGen allele CA379097008.
Genomic context (GRCh38, chr11:1,933,977, plus strand): 5'-TTCTCTGGCTGCAGGAGAAGCGCCGTGCAGAGAGAGCGGAGCAGCAGAGGATTCGTGCAG[A>T]GAAGGAGAGGGAGCGCCAGAACAGACTGGCGGTGAGGGCACCATCCGCACTGCTGCCTCA-3'
Protein context (NP_006748.1, residues 102-122): ERAEQQRIRA[Glu112Val]KERERQNRLA

ClinVar aggregate classification (germline): Uncertain significance. Review status: criteria provided, multiple submitters, no conflicts (2 of 4 stars). 2 submissions from 2 submitters: Uncertain significance (2). Last evaluated 2025-11-18.

Conditions:
Inborn genetic diseases. Identifiers: MedGen C0950123, MeSH D030342.

Allele frequency attached by ClinVar (database versions not stated): gnomAD exomes 0.00001.
gnomAD v4.1: 6 of 1,612,564 alleles (0.00037%); highest among the groups gnomAD compares: Admixed American, 0.01%; 1 homozygote.

Submissions (2):

Labcorp Genetics (formerly Invitae), Labcorp
Classification: Uncertain significance. Last evaluated: 2025-11-18. Review status: criteria provided, single submitter. Criteria: Invitae Variant Classification Sherloc (09022015). Collection method: clinical testing. Allele origin: germline.
Comment: This sequence change replaces glutamic acid, which is acidic and polar, with valine, which is neutral and non-polar, at codon 112 of the TNNT3 protein (p.Glu112Val). This variant is present in population databases (no rsID available, gnomAD 0.02%), including at least one homozygous and/or hemizygous individual. This variant has not been reported in the literature in individuals affected with TNNT3-related conditions. ClinVar contains an entry for this variant (Variation ID: 2283510). An algorithm developed to predict the effect of missense changes on protein structure and function (PolyPhen-2) suggests that this variant is likely to be disruptive. In summary, the available evidence is currently insufficient to determine the role of this variant in disease. Therefore, it has been classified as a Variant of Uncertain Significance.

Ambry Genetics
Classification: Uncertain significance for Inborn genetic diseases. Last evaluated: 2022-04-12. Review status: criteria provided, single submitter. Criteria: Ambry Variant Classification Scheme 2023. Collection method: clinical testing. Allele origin: germline.